The following is an entry in ClinVar:

NM_001370466.1(NOD2):c.2606G>A (p.Arg869Gln)

Gene: NOD2 (nucleotide binding oligomerization domain containing 2; plus strand). Cytogenetic location: 16q12.1.
Variant type: single nucleotide variant.
Coding change: c.2606G>A on transcript NM_001370466.1 (MANE Select); coding-DNA position 2606, G replaced by A.
Protein change: p.Arg869Gln; replaces arginine 869 with glutamine.
Molecular consequence: missense variant. On other transcripts: non-coding transcript variant (1).
Genome position (GRCh38, 1-based): chr16:50,719,981, G>A. VCF-style: chr16-50719981-G-A. GRCh37 (hg19) VCF-style: chr16-50753892-G-A.
Other names: c.2606G>A, p.Arg869Gln (NM_001293557.2); c.2687G>A, p.Arg896Gln (NM_022162.3); short protein forms R869Q, R896Q.
Identifiers: ClinVar variation 2421380 (VCV002421380.8), dbSNP rs201831159, ClinGen allele CA8051924.

ClinVar aggregate classification (germline): Uncertain significance. Review status: criteria provided, multiple submitters, no conflicts (2 of 4 stars). 2 submissions from 2 submitters: Uncertain significance (2). Last evaluated 2025-10-28.

Conditions:
Regional enteritis. Also called: Enteritis, Granulomatous. Identifiers: MedGen C0678202, MeSH D003424.
Blau syndrome (BLAUS). Also called: JABS SYNDROME; ARTHROCUTANEOUVEAL GRANULOMATOSIS; GRANULOMATOSIS, FAMILIAL JUVENILE SYSTEMIC; GRANULOMATOSIS, FAMILIAL, BLAU TYPE; GRANULOMATOUS INFLAMMATORY ARTHRITIS, DERMATITIS, AND UVEITIS, FAMILIAL. Identifiers: Orphanet 90340, MedGen C5201146, MONDO:0008523, OMIM 186580.

Allele frequency attached by ClinVar (database versions not stated): ExAC 0.00001; TOPMed 0.00003; gnomAD 0.00004; 1000 Genomes Project 30x 0.00016; 1000 Genomes Project 0.00020.
gnomAD v4.1: 65 of 1,614,162 alleles (0.004%); highest among the groups gnomAD compares: East Asian, 0.0067%; no homozygotes.

Submissions (2):

Labcorp Genetics (formerly Invitae), Labcorp
Classification: Uncertain significance for Regional enteritis; Blau syndrome. Last evaluated: 2025-10-28. Review status: criteria provided, single submitter. Criteria: Invitae Variant Classification Sherloc (09022015). Collection method: clinical testing. Allele origin: germline.
Comment: This sequence change replaces arginine, which is basic and polar, with glutamine, which is neutral and polar, at codon 896 of the NOD2 protein (p.Arg896Gln). This variant is present in population databases (rs201831159, gnomAD 0.02%). This variant has not been reported in the literature in individuals affected with NOD2-related conditions. ClinVar contains an entry for this variant (Variation ID: 2421380). Invitae Evidence Modeling of protein sequence and biophysical properties (such as structural, functional, and spatial information, amino acid conservation, physicochemical variation, residue mobility, and thermodynamic stability) indicates that this missense variant is not expected to disrupt NOD2 protein function with a negative predictive value of 95%. In summary, the available evidence is currently insufficient to determine the role of this variant in disease. Therefore, it has been classified as a Variant of Uncertain Significance.

ARUP Laboratories, Molecular Genetics and Genomics, ARUP Laboratories
Classification: Uncertain significance. Last evaluated: 2025-02-07. Review status: criteria provided, single submitter. Criteria: ARUP Molecular Germline Variant Investigation Process 2024. Collection method: clinical testing. Allele origin: germline.
Comment: The NOD2 c.2687G>A; p.Arg896Gln variant (rs201831159), to our knowledge, is not reported in the medical literature but is reported in ClinVar (Variation ID: 2421380). This variant is found in the East Asian population with an allele frequency of 0.022% (4/18392 alleles) in the Genome Aggregation Database (v2.1.1). Computational analyses predict that this variant is neutral (REVEL: 0.035). Due to limited information, the clinical significance of this variant is uncertain at this time.